The following is an entry in ClinVar:

NM_001035.3(RYR2):c.3836G>C (p.Ser1279Thr)

Genes: RYR2 (ryanodine receptor 2; plus strand), LOC126806067 (BRD4-independent group 4 enhancer GRCh37_chr1:237753258-237754457; plus strand). Cytogenetic location: 1q43.
Variant type: single nucleotide variant.
Coding change: c.3836G>C on transcript NM_001035.3 (MANE Select); coding-DNA position 3836, G replaced by C.
Protein change: p.Ser1279Thr; replaces serine 1279 with threonine.
Molecular consequence: missense variant.
Genome position (GRCh38, 1-based): chr1:237,590,668, G>C. VCF-style: chr1-237590668-G-C. GRCh37 (hg19) VCF-style: chr1-237753968-G-C.
Other names: c.3836G>C, p.Ser1279Thr (LRG_402t1); short protein forms S1279T.
Identifiers: ClinVar variation 532382 (VCV000532382.15), dbSNP rs751419465, ClinGen allele CA086469.

ClinVar aggregate classification (germline): Conflicting classifications of pathogenicity. Review status: criteria provided, conflicting classifications (1 of 4 stars). 4 submissions from 4 submitters: Uncertain significance (3); Likely benign (1). Last evaluated 2025-11-12.

Conditions:
Catecholaminergic polymorphic ventricular tachycardia 1. Also called: VENTRICULAR TACHYCARDIA, CATECHOLAMINERGIC POLYMORPHIC, 1, WITH OR WITHOUT ATRIAL DYSFUNCTION AND/OR DILATED CARDIOMYOPATHY; RYR2-Related Catecholaminergic Polymorphic Ventricular Tachycardia; VENTRICULAR TACHYCARDIA, STRESS-INDUCED POLYMORPHIC 1. Identifiers: Orphanet 3286, MedGen C1631597, MONDO:0011484, OMIM 604772.
Cardiovascular phenotype. Identifiers: MedGen CN230736.
Cardiomyopathy (CMYO). Also called: Cardiomyopathies. Identifiers: Orphanet 167848, MedGen C0878544, MONDO:0004994, HP:0001638. Inheritance: Various modes of inheritance.

Allele frequency attached by ClinVar (database versions not stated): gnomAD exomes below 0.00001; ExAC 0.00001; gnomAD 0.00005 and 0.00006; TOPMed 0.00009.
gnomAD v4.1: 10 of 1,561,992 alleles (0.00064%); highest among the groups gnomAD compares: African/African-American, 0.014%; no homozygotes.

Submissions (4):

Labcorp Genetics (formerly Invitae), Labcorp
Classification: Likely benign for Catecholaminergic polymorphic ventricular tachycardia 1. Last evaluated: 2025-11-12. Review status: criteria provided, single submitter. Criteria: Invitae Variant Classification Sherloc (09022015). Collection method: clinical testing. Allele origin: germline.

GeneDx
Classification: Uncertain significance. Last evaluated: 2024-04-15. Review status: criteria provided, single submitter. Criteria: GeneDx Variant Classification Process June 2021. Collection method: clinical testing. Allele origin: germline.
Comment: Not observed at significant frequency in large population cohorts (gnomAD); In silico analysis supports that this missense variant does not alter protein structure/function; Has not been previously published as pathogenic or benign to our knowledge; Not located in one of the three hot-spot regions of the RYR2 gene, where the majority of pathogenic missense variants occur (PMID: 19926015); This variant is associated with the following publications: (PMID: 19926015)

Color Diagnostics, LLC DBA Color Health
Classification: Uncertain significance for Cardiomyopathy. Last evaluated: 2024-03-07. Review status: criteria provided, single submitter. Criteria: ACMG Guidelines, 2015. Collection method: clinical testing. Allele origin: germline.
Comment: This missense variant replaces serine with threonine at codon 1279 of the RYR2 protein. Computational prediction suggests that this variant may not impact protein structure and function. To our knowledge, functional studies have not been reported for this variant. This variant has not been reported in individuals affected with RYR2-related disorders in the literature. This variant has been identified in 1/211118 chromosomes in the general population by the Genome Aggregation Database (gnomAD). The available evidence is insufficient to determine the role of this variant in disease conclusively. Therefore, this variant is classified as a Variant of Uncertain Significance.

Ambry Genetics
Classification: Uncertain significance for Cardiovascular phenotype. Last evaluated: 2023-11-13. Review status: criteria provided, single submitter. Criteria: Ambry Variant Classification Scheme 2023. Collection method: clinical testing. Allele origin: germline.
Comment: The p.S1279T variant (also known as c.3836G>C), located in coding exon 31 of the RYR2 gene, results from a G to C substitution at nucleotide position 3836. The serine at codon 1279 is replaced by threonine, an amino acid with similar properties. This amino acid position is well conserved in available vertebrate species. In addition, this alteration is predicted to be tolerated by in silico analysis. Since supporting evidence is limited at this time, the clinical significance of this alteration remains unclear.